The following is an entry in ClinVar:

ClinVar aggregate classification (germline): Conflicting classifications of pathogenicity. Review status: criteria provided, conflicting classifications (1 of 4 stars). 4 submissions from 4 submitters: Uncertain significance (1); Likely benign (2). 1 of the submissions does not count toward it. Last evaluated 2024-11-19.

Conditions:
Nephronophthisis. Also called: Juvenile Nephronophthisis. Identifiers: Orphanet 655, MedGen C0687120, MONDO:0019005, HP:0000090.
GLIS2-related disorder. Also called: GLIS2-related condition.
Nephronophthisis 7 (NPHP7). Identifiers: Orphanet 655, MedGen C1969092, MONDO:0012680, OMIM 611498.

Allele frequency attached by ClinVar (database versions not stated): gnomAD exomes 0.00017; gnomAD 0.00022 and 0.00023; TOPMed 0.00022; 1000 Genomes Project 0.00040; 1000 Genomes Project 30x 0.00047; ESP Exome Variant Server 0.00047; ExAC 0.00051.

Submissions (4):

Labcorp Genetics (formerly Invitae), Labcorp
Classification: Likely benign for Nephronophthisis. Last evaluated: 2024-11-19. Review status: criteria provided, single submitter. Criteria: Invitae Variant Classification Sherloc (09022015). Collection method: clinical testing. Allele origin: germline.

Blueprint Genetics
Classification: Likely benign. Last evaluated: 2024-09-03. Review status: criteria provided, single submitter. Criteria: ACMG Guidelines, 2015. Collection method: clinical testing. Allele origin: germline.

Illumina Laboratory Services, Illumina
Classification: Uncertain significance for Nephronophthisis 7. Last evaluated: 2018-01-13. Review status: criteria provided, single submitter. Criteria: ICSL Variant Classification Criteria 13 December 2019. Collection method: clinical testing. Allele origin: germline.

PreventionGenetics, part of Exact Sciences
Classification: Likely benign for GLIS2-related condition. Last evaluated: 2024-03-29. Review status: no assertion criteria provided. Collection method: clinical testing. Allele origin: germline. Not counted in ClinVar's aggregate classification.
Comment: This variant is classified as likely benign based on ACMG/AMP sequence variant interpretation guidelines (Richards et al. 2015 PMID: 25741868, with internal and published modifications).

NM_032575.3(GLIS2):c.1431C>T (p.Pro477=)

Gene: GLIS2 (GLIS family zinc finger 2; plus strand). Cytogenetic location: 16p13.3.
Variant type: single nucleotide variant.
Coding change: c.1431C>T on transcript NM_032575.3 (MANE Select); coding-DNA position 1431, C replaced by T.
Protein change: p.Pro477=; no amino-acid change (proline 477 retained).
Molecular consequence: synonymous variant.
Genome position (GRCh38, 1-based): chr16:4,337,380, C>T. VCF-style: chr16-4337380-C-T. GRCh37 (hg19) VCF-style: chr16-4387381-C-T.
Other names: c.1431C>T, p.Pro477= (NM_001318918.2).
Identifiers: ClinVar variation 319224 (VCV000319224.17), dbSNP rs150810544, ClinGen allele CA7873264.
Genomic context (GRCh38, chr16:4,337,380, plus strand): 5'-CATGGAGGGCCACAAGACGCCCCTTGAAAGGACGGAGAGCAGCTGCTCCCGGCCAAGCCC[C>T]GATGGACTCCCCCTGCTGCCAGGCACCGTGCTGGACCTGTCCACGGGCGTCAACTCAGCT-3'
Protein context (NP_115964.2, residues 467-487): RTESSCSRPS[Pro477=]DGLPLLPGTV